The following is an entry in ClinVar:

NM_001369268.1(ACAN):c.2390A>G (p.Glu797Gly)

Gene: ACAN (aggrecan; plus strand). Cytogenetic location: 15q26.1.
Variant type: single nucleotide variant.
Coding change: c.2390A>G on transcript NM_001369268.1 (MANE Select); coding-DNA position 2390, A replaced by G.
Protein change: p.Glu797Gly; replaces glutamic acid 797 with glycine.
Molecular consequence: missense variant.
Genome position (GRCh38, 1-based): chr15:88,854,975, A>G. VCF-style: chr15-88854975-A-G. GRCh37 (hg19) VCF-style: chr15-89398206-A-G.
Other names: c.2390A>G, p.Glu797Gly (NM_001135.4, NM_001411096.1, NM_001411097.1 and 1 more transcripts); short protein forms E797G.
Identifiers: ClinVar variation 3900214 (VCV003900214.1).

ClinVar aggregate classification (germline): Likely benign (1 of 4 stars; one submission).

gnomAD v4.1: 2,350 of 1,600,166 alleles (0.15%); highest among the groups gnomAD compares: African/African-American, 2.9%; 39 homozygotes.

Submission:

GeneDx
Classification: Likely benign. Last evaluated: 2018-10-27. Review status: criteria provided, single submitter. Criteria: GeneDx Variant Classification Process June 2021. Collection method: clinical testing. Allele origin: germline. Affected: yes.
Comment: See Variant Classification Assertion Criteria.